The following is an entry in ClinVar:

NM_000834.5(GRIN2B):c.52G>A (p.Val18Ile)

Gene: GRIN2B (glutamate ionotropic receptor NMDA type subunit 2B; minus strand). Cytogenetic location: 12p13.1.
Variant type: single nucleotide variant.
Coding change: c.52G>A on transcript NM_000834.5 (MANE Select); coding-DNA position 52, G replaced by A.
Protein change: p.Val18Ile; replaces valine 18 with isoleucine.
Molecular consequence: missense variant.
Genome position (GRCh38, 1-based): chr12:13,866,157, C>T on the plus strand (G>A on the coding strand, the complement: GRIN2B is on the minus strand). VCF-style: chr12-13866157-C-T. GRCh37 (hg19) VCF-style: chr12-14019091-C-T.
Other names: p.V18I:GTC>ATC; short protein forms V18I.
Identifiers: ClinVar variation 205705 (VCV000205705.15), dbSNP rs201094029, ClinGen allele CA315038.

ClinVar aggregate classification (germline): Benign/Likely benign. Review status: criteria provided, multiple submitters, no conflicts (2 of 4 stars). 3 submissions from 3 submitters: Benign (2); Likely benign (1). Last evaluated 2026-01-01.

Conditions:
Intellectual developmental disorder, autosomal dominant 6, with or without seizures. Also called: Intellectual disability, autosomal dominant 6; GRIN2B-related developmental delay, intellectual disability and autism spectrum disorder. Identifiers: Orphanet 589547, MedGen C3151411, MONDO:0013509, OMIM 613970.
Developmental and epileptic encephalopathy, 27 (DEE27). Also called: Epileptic encephalopathy, early infantile, 27; GRIN2B-Related Neurodevelopmental Disorder. Identifiers: Orphanet 3451, MedGen C4015316, MONDO:0014505, OMIM 616139.

Allele frequency attached by ClinVar (database versions not stated): gnomAD 0.00002 and 0.00007; gnomAD exomes 0.00004 and 0.00009; ExAC 0.00006; TOPMed 0.00006.
gnomAD v4.1: 136 of 1,612,580 alleles (0.0084%); highest among the groups gnomAD compares: East Asian, 0.21%; 2 homozygotes.

Submissions (3):

CeGaT Center for Human Genetics Tuebingen
Classification: Benign. Last evaluated: 2026-01-01. Review status: criteria provided, single submitter. Criteria: CeGaT Center For Human Genetics Tuebingen Variant Classification Criteria Version 2. Collection method: clinical testing. Allele origin: germline. Affected: yes. Observed: 1 variant allele.
Comment: GRIN2B: BP4, BS1, BS2

Labcorp Genetics (formerly Invitae), Labcorp
Classification: Benign for Developmental and epileptic encephalopathy, 27; Intellectual developmental disorder, autosomal dominant 6, with or without seizures. Last evaluated: 2025-11-13. Review status: criteria provided, single submitter. Criteria: Invitae Variant Classification Sherloc (09022015). Collection method: clinical testing. Allele origin: germline.

GeneDx
Classification: Likely benign. Last evaluated: 2017-09-15. Review status: criteria provided, single submitter. Criteria: GeneDx Variant Classification (06012015). Collection method: clinical testing. Allele origin: germline. Affected: yes.
Comment: This variant is considered likely benign or benign based on one or more of the following criteria: it is a conservative change, it occurs at a poorly conserved position in the protein, it is predicted to be benign by multiple in silico algorithms, and/or has population frequency not consistent with disease.